The following is an entry in ClinVar:

NM_001267550.2(TTN):c.83032G>A (p.Asp27678Asn)

Genes: TTN (titin; minus strand), TTN-AS1 (TTN antisense RNA 1; plus strand). Cytogenetic location: 2q31.2.
Variant type: single nucleotide variant.
Coding change: c.83032G>A on transcript NM_001267550.2 (MANE Select); coding-DNA position 83032, G replaced by A.
Protein change: p.Asp27678Asn; replaces aspartic acid 27678 with asparagine.
Molecular consequence: missense variant.
Genome position (GRCh38, 1-based): chr2:178,563,100, C>T on the plus strand (G>A on the coding strand, the complement: TTN is on the minus strand). VCF-style: chr2-178563100-C-T. GRCh37 (hg19) VCF-style: chr2-179427827-C-T.
Other names: c.78109G>A, p.Asp26037Asn (NM_001256850.1); c.55837G>A, p.Asp18613Asn (NM_003319.4); c.75328G>A, p.Asp25110Asn (NM_133378.4); c.56212G>A, p.Asp18738Asn (NM_133432.3); c.56413G>A, p.Asp18805Asn (NM_133437.4); short protein forms D27678N, D18613N, D18805N, D25110N, D18738N, D26037N.
Identifiers: ClinVar variation 467550 (VCV000467550.7), dbSNP rs781128731, ClinGen allele CA1988984.

ClinVar aggregate classification (germline): Conflicting classifications of pathogenicity. Review status: criteria provided, conflicting classifications (1 of 4 stars). 3 submissions from 3 submitters: Uncertain significance (2); Likely benign (1). Last evaluated 2025-08-19.

Conditions:
TTN-related disorder. Also called: TTN-related condition; TTN-related disease; TTN-related disorders.
Autosomal recessive limb-girdle muscular dystrophy type 2J (LGMDR10). Also called: Limb-girdle muscular dystrophy, type 2J; MUSCULAR DYSTROPHY, LIMB-GIRDLE, AUTOSOMAL RECESSIVE 10. Identifiers: Orphanet 140922, MedGen C1837342, MONDO:0012127, OMIM 608807.
Dilated cardiomyopathy 1G (CMD1G). Identifiers: Orphanet 154, MedGen C1858763, MONDO:0011400, OMIM 604145.

Allele frequency attached by ClinVar (database versions not stated): gnomAD exomes 0.00001 and 0.00004; TOPMed 0.00001; ExAC 0.00004.
gnomAD v4.1: 20 of 1,613,698 alleles (0.0012%); highest among the groups gnomAD compares: Admixed American, 0.0083%; no homozygotes.

Submissions (3):

PreventionGenetics, part of Exact Sciences
Classification: Uncertain significance for TTN-related condition. Last evaluated: 2025-08-19. Review status: criteria provided, single submitter. Criteria: ACMG Guidelines, 2015. Collection method: clinical testing. Allele origin: germline.
Comment: The TTN c.83032G>A variant is predicted to result in the amino acid substitution p.Asp27678Asn. To our knowledge, this variant has not been reported in the literature. This variant is reported in 0.017% of alleles in individuals of Latino descent in gnomAD. At this time, the clinical significance of this variant is uncertain due to the absence of conclusive functional and genetic evidence.

GeneDx
Classification: Likely benign. Last evaluated: 2020-08-26. Review status: criteria provided, single submitter. Criteria: GeneDx Variant Classification Process June 2021. Collection method: clinical testing. Allele origin: germline. Affected: yes.

Labcorp Genetics (formerly Invitae), Labcorp
Classification: Uncertain significance for Dilated cardiomyopathy 1G; Autosomal recessive limb-girdle muscular dystrophy type 2J. Last evaluated: 2017-03-22. Review status: criteria provided, single submitter. Criteria: Invitae Variant Classification Sherloc (09022015). Collection method: clinical testing. Allele origin: germline.